The following is an entry in ClinVar:

NM_000352.6(ABCC8):c.1914C>A (p.Tyr638Ter)

Gene: ABCC8 (ATP binding cassette subfamily C member 8; minus strand). Cytogenetic location: 11p15.1.
Variant type: single nucleotide variant.
Coding change: c.1914C>A on transcript NM_000352.6 (MANE Select); coding-DNA position 1914, C replaced by A.
Protein change: p.Tyr638Ter; replaces tyrosine 638 with a stop codon.
Molecular consequence: nonsense. On other transcripts: non-coding transcript variant (1).
Genome position (GRCh38, 1-based): chr11:17,428,574, G>T on the plus strand (C>A on the coding strand, the complement: ABCC8 is on the minus strand). VCF-style: chr11-17428574-G-T. GRCh37 (hg19) VCF-style: chr11-17450121-G-T.
Other names: c.1914C>A, p.Tyr638Ter (NM_001287174.3, NM_001351295.2); c.1911C>A, p.Tyr637Ter (NM_001351296.2, NM_001351297.2); short protein forms Y637*, Y638*.
Identifiers: ClinVar variation 2678897 (VCV002678897.4), dbSNP rs1179991710, ClinGen allele CA379815569.

ClinVar aggregate classification (germline): Pathogenic/Likely pathogenic. Review status: criteria provided, multiple submitters, no conflicts (2 of 4 stars). 2 submissions from 2 submitters: Pathogenic (1); Likely pathogenic (1). Last evaluated 2022-11-14.

Conditions:
Type 2 diabetes mellitus. Also called: Type II diabetes mellitus. Identifiers: MedGen C0011860, MeSH D003924, MONDO:0005148, OMIM 125853, HP:0005978.

Submissions (2):

Labcorp Genetics (formerly Invitae), Labcorp
Classification: Pathogenic. Last evaluated: 2022-11-14. Review status: criteria provided, single submitter. Criteria: Invitae Variant Classification Sherloc (09022015). Collection method: clinical testing. Allele origin: germline.
Comment: Algorithms developed to predict the effect of sequence changes on RNA splicing suggest that this variant may disrupt the consensus splice site. This sequence change creates a premature translational stop signal (p.Tyr638*) in the ABCC8 gene. It is expected to result in an absent or disrupted protein product. Loss-of-function variants in ABCC8 are known to be pathogenic (PMID: 20685672, 23345197). This variant is not present in population databases (gnomAD no frequency). This variant has not been reported in the literature in individuals affected with ABCC8-related conditions. For these reasons, this variant has been classified as Pathogenic.

Baylor Genetics
Classification: Likely pathogenic for Type 2 diabetes mellitus. Last evaluated: 2022-07-15. Review status: criteria provided, single submitter. Criteria: ACMG Guidelines, 2015. Collection method: clinical testing. Allele origin: unknown.

Literature cited by the submitters: PubMed 20685672 (cited by Labcorp Genetics (formerly Invitae), Labcorp); PubMed 23345197 (cited by Labcorp Genetics (formerly Invitae), Labcorp).